The following is an entry in ClinVar:

ClinVar aggregate classification (germline): Uncertain significance (1 of 4 stars; one submission).

Submission:

GeneDx
Classification: Uncertain significance. Last evaluated: 2017-04-07. Review status: criteria provided, single submitter. Criteria: GeneDx Variant Classification (06012015). Collection method: clinical testing. Allele origin: germline. Affected: yes.
Comment: The S927F variant in the LAMA2 gene has not been reported previously as a pathogenic variant, nor as a benign variant, to our knowledge. The S927F variant is not observed in large population cohorts (Lek et al., 2016; 1000 Genomes Consortium et al., 2015; Exome Variant Server). The S927F variant is a non-conservative amino acid substitution, which is likely to impact secondary protein structure as these residues differ in polarity, charge, size and/or other properties. This substitution occurs at a position that is conserved across species. In silico analysis predicts this variant is probably damaging to the protein structure/function. We interpret S927F as a variant of uncertain significance.

NM_000426.4(LAMA2):c.2780C>T (p.Ser927Phe)

Gene: LAMA2 (laminin subunit alpha 2; plus strand). Cytogenetic location: 6q22.33.
Variant type: single nucleotide variant.
Coding change: c.2780C>T on transcript NM_000426.4 (MANE Select); coding-DNA position 2780, C replaced by T.
Protein change: p.Ser927Phe; replaces serine 927 with phenylalanine.
Molecular consequence: missense variant.
Genome position (GRCh38, 1-based): chr6:129,291,644, C>T. VCF-style: chr6-129291644-C-T. GRCh37 (hg19) VCF-style: chr6-129612789-C-T.
Other names: c.2780C>T, p.Ser927Phe (NM_001079823.2); short protein forms S927F.
Identifiers: ClinVar variation 426659 (VCV000426659.2), dbSNP rs1085307732, ClinGen allele CA365610721.